The following is an entry in ClinVar:

NM_001384910.1(GUCA1A):c.110A>T (p.Tyr37Phe)

Genes: GUCA1A (guanylate cyclase activator 1A; plus strand), GUCA1ANB-GUCA1A (GUCA1ANB-GUCA1A readthrough; plus strand). Cytogenetic location: 6p21.1.
Variant type: single nucleotide variant.
Coding change: c.110A>T on transcript NM_001384910.1 (MANE Select); coding-DNA position 110, A replaced by T.
Protein change: p.Tyr37Phe; replaces tyrosine 37 with phenylalanine.
Molecular consequence: missense variant.
Genome position (GRCh38, 1-based): chr6:42,173,723, A>T. VCF-style: chr6-42173723-A-T. GRCh37 (hg19) VCF-style: chr6-42141461-A-T.
Other names: c.110A>T, p.Tyr37Phe (NM_000409.5, NM_001319061.2, NM_001319062.2); short protein forms Y37F.
Identifiers: ClinVar variation 2777310 (VCV002777310.3), dbSNP rs753396732, ClinGen allele CA3805264.
Genomic context (GRCh38, chr6:42,173,723, plus strand): 5'-AGTGCCACCAGTGGTACAAGAAGTTCATGACTGAGTGCCCCTCTGGCCAACTCACCCTCT[A>T]TGAGTTCCGCCAGTTCTTCGGCCTCAAGAACCTGAGCCCGTCGGCCAGCCAGTACGTGGA-3'
Protein context (NP_001371839.1, residues 27-47): TECPSGQLTL[Tyr37Phe]EFRQFFGLKN

ClinVar aggregate classification (germline): Uncertain significance (1 of 4 stars; one submission).

gnomAD v4.1: 2 of 1,613,764 alleles (0.00012%); highest among the groups gnomAD compares: Non-Finnish European, 0.00017%; no homozygotes.

Submission:

Labcorp Genetics (formerly Invitae), Labcorp
Classification: Uncertain significance. Last evaluated: 2023-04-24. Review status: criteria provided, single submitter. Criteria: Invitae Variant Classification Sherloc (09022015). Collection method: clinical testing. Allele origin: germline.
Comment: In summary, the available evidence is currently insufficient to determine the role of this variant in disease. Therefore, it has been classified as a Variant of Uncertain Significance. An algorithm developed to predict the effect of missense changes on protein structure and function (PolyPhen-2) suggests that this variant is likely to be tolerated. This variant has not been reported in the literature in individuals affected with GUCA1A-related conditions. This variant is present in population databases (rs753396732, gnomAD 0.0009%). This sequence change replaces tyrosine, which is neutral and polar, with phenylalanine, which is neutral and non-polar, at codon 37 of the GUCA1A protein (p.Tyr37Phe).